The following is an entry in ClinVar:

NM_004946.3(DOCK2):c.1286C>T (p.Thr429Ile)

Gene: DOCK2 (dedicator of cytokinesis 2; plus strand). Cytogenetic location: 5q35.1.
Variant type: single nucleotide variant.
Coding change: c.1286C>T on transcript NM_004946.3 (MANE Select); coding-DNA position 1286, C replaced by T.
Protein change: p.Thr429Ile; replaces threonine 429 with isoleucine.
Molecular consequence: missense variant. On other transcripts: non-coding transcript variant (1).
Genome position (GRCh38, 1-based): chr5:169,702,330, C>T. VCF-style: chr5-169702330-C-T. GRCh37 (hg19) VCF-style: chr5-169129334-C-T.
Other names: c.1286C>T (NM_004946.2); short protein forms T429I.
Identifiers: ClinVar variation 1970807 (VCV001970807.3), dbSNP rs1268064109, ClinGen allele CA362105997.

ClinVar aggregate classification (germline): Uncertain significance. Review status: criteria provided, multiple submitters, no conflicts (2 of 4 stars). 2 submissions from 2 submitters: Uncertain significance (2). Last evaluated 2025-10-02.

Conditions:
DOCK2 deficiency. Also called: Immunodeficiency 40. Identifiers: Orphanet 447737, MedGen C4225328, MONDO:0014637, OMIM 616433.
Inborn genetic diseases. Identifiers: MedGen C0950123, MeSH D030342.

Allele frequency attached by ClinVar (database versions not stated): TOPMed 0.00002.
gnomAD v4.1: 3 of 1,613,962 alleles (0.00019%); highest among the groups gnomAD compares: East Asian, 0.0022%; no homozygotes.

Submissions (2):

Ambry Genetics
Classification: Uncertain significance for Inborn genetic diseases. Last evaluated: 2025-10-02. Review status: criteria provided, single submitter. Criteria: Ambry Variant Classification Scheme 2023. Collection method: clinical testing. Allele origin: germline.

Labcorp Genetics (formerly Invitae), Labcorp
Classification: Uncertain significance for DOCK2 deficiency. Last evaluated: 2022-03-26. Review status: criteria provided, single submitter. Criteria: Invitae Variant Classification Sherloc (09022015). Collection method: clinical testing. Allele origin: germline.
Comment: This sequence change replaces threonine, which is neutral and polar, with isoleucine, which is neutral and non-polar, at codon 429 of the DOCK2 protein (p.Thr429Ile). This variant is not present in population databases (gnomAD no frequency). This variant has not been reported in the literature in individuals affected with DOCK2-related conditions. Algorithms developed to predict the effect of missense changes on protein structure and function are either unavailable or do not agree on the potential impact of this missense change (SIFT: "Deleterious"; PolyPhen-2: "Probably Damaging"; Align-GVGD: "Class C15"). In summary, the available evidence is currently insufficient to determine the role of this variant in disease. Therefore, it has been classified as a Variant of Uncertain Significance.